The following is an entry in ClinVar:

NM_005012.4(ROR1):c.2572A>T (p.Ser858Cys)

Gene: ROR1 (receptor tyrosine kinase like orphan receptor 1; plus strand). Cytogenetic location: 1p31.3.
Variant type: single nucleotide variant.
Coding change: c.2572A>T on transcript NM_005012.4 (MANE Select); coding-DNA position 2572, A replaced by T.
Protein change: p.Ser858Cys; replaces serine 858 with cysteine.
Molecular consequence: missense variant.
Genome position (GRCh38, 1-based): chr1:64,178,613, A>T. VCF-style: chr1-64178613-A-T. GRCh37 (hg19) VCF-style: chr1-64644296-A-T.
Other names: c.2572A>T (NM_005012.2); short protein forms S858C.
Identifiers: ClinVar variation 1905721 (VCV001905721.6), dbSNP rs989718734, ClinGen allele CA23842130.

ClinVar aggregate classification (germline): Uncertain significance. Review status: criteria provided, multiple submitters, no conflicts (2 of 4 stars). 2 submissions from 2 submitters: Uncertain significance (2). Last evaluated 2024-09-26.

Allele frequency attached by ClinVar (database versions not stated): gnomAD 0.00001; gnomAD exomes 0.00001; TOPMed 0.00001.
gnomAD v4.1: 11 of 1,614,084 alleles (0.00068%); highest among the groups gnomAD compares: Non-Finnish European, 0.00093%; no homozygotes.

Submissions (2):

Ambry Genetics
Classification: Uncertain significance. Last evaluated: 2024-09-26. Review status: criteria provided, single submitter. Criteria: Ambry Variant Classification Scheme 2023. Collection method: clinical testing. Allele origin: germline.

Labcorp Genetics (formerly Invitae), Labcorp
Classification: Uncertain significance. Last evaluated: 2022-01-05. Review status: criteria provided, single submitter. Criteria: Invitae Variant Classification Sherloc (09022015). Collection method: clinical testing. Allele origin: germline.
Comment: In summary, the available evidence is currently insufficient to determine the role of this variant in disease. Therefore, it has been classified as a Variant of Uncertain Significance. Algorithms developed to predict the effect of missense changes on protein structure and function are either unavailable or do not agree on the potential impact of this missense change (SIFT: "Deleterious"; PolyPhen-2: "Probably Damaging"; Align-GVGD: "Class C0"). This variant has not been reported in the literature in individuals affected with ROR1-related conditions. This variant is present in population databases (no rsID available, gnomAD 0.0009%). This sequence change replaces serine, which is neutral and polar, with cysteine, which is neutral and slightly polar, at codon 858 of the ROR1 protein (p.Ser858Cys).